The following is an entry in ClinVar:

NM_001081.4(CUBN):c.5173G>A (p.Gly1725Arg)

Gene: CUBN (cubilin; minus strand). Cytogenetic location: 10p13.
Variant type: single nucleotide variant.
Coding change: c.5173G>A on transcript NM_001081.4 (MANE Select); coding-DNA position 5173, G replaced by A.
Protein change: p.Gly1725Arg; replaces glycine 1725 with arginine.
Molecular consequence: missense variant.
Genome position (GRCh38, 1-based): chr10:16,948,514, C>T on the plus strand (G>A on the coding strand, the complement: CUBN is on the minus strand). VCF-style: chr10-16948514-C-T. GRCh37 (hg19) VCF-style: chr10-16990513-C-T.
Other names: short protein forms G1725R.
Identifiers: ClinVar variation 2192379 (VCV002192379.2), dbSNP rs1842842847, ClinGen allele CA376160475.

ClinVar aggregate classification (germline): Uncertain significance (1 of 4 stars; one submission).

Conditions:
Imerslund-Grasbeck syndrome. Also called: Megaloblastic anemia due to inborn errors of metabolism; ENTEROCYTE COBALAMIN MALABSORPTION; ENTEROCYTE INTRINSIC FACTOR RECEPTOR, DEFECT OF; PERNICIOUS ANEMIA, JUVENILE, DUE TO SELECTIVE INTESTINAL MALABSORPTION OF VITAMIN B12, WITH PROTEINURIA; Imerslund-Gräsbeck syndrome. Identifiers: Orphanet 35858, MedGen C4551825, MONDO:0009853.

Allele frequency attached by ClinVar (database versions not stated): TOPMed 0.00001.

Submission:

Labcorp Genetics (formerly Invitae), Labcorp
Classification: Uncertain significance for Imerslund-Grasbeck syndrome. Last evaluated: 2024-12-02. Review status: criteria provided, single submitter. Criteria: Invitae Variant Classification Sherloc (09022015). Collection method: clinical testing. Allele origin: germline.
Comment: This sequence change replaces glycine, which is neutral and non-polar, with arginine, which is basic and polar, at codon 1725 of the CUBN protein (p.Gly1725Arg). This variant is not present in population databases (gnomAD no frequency). This variant has not been reported in the literature in individuals affected with CUBN-related conditions. ClinVar contains an entry for this variant (Variation ID: 2192379). Invitae Evidence Modeling of protein sequence and biophysical properties (such as structural, functional, and spatial information, amino acid conservation, physicochemical variation, residue mobility, and thermodynamic stability) indicates that this missense variant is not expected to disrupt CUBN protein function with a negative predictive value of 80%. In summary, the available evidence is currently insufficient to determine the role of this variant in disease. Therefore, it has been classified as a Variant of Uncertain Significance.